The following is an entry in ClinVar:

ClinVar aggregate classification (germline): Uncertain significance. Review status: criteria provided, multiple submitters, no conflicts (2 of 4 stars). 2 submissions from 2 submitters: Uncertain significance (2). Last evaluated 2025-08-28.

Conditions:
DK1-congenital disorder of glycosylation. Also called: CONGENITAL DISORDER OF GLYCOSYLATION, TYPE Im; DK1-CDG; DOLK-congenital disorder of glycosylation; Carbohydrate deficient glycoprotein syndrome type 1m; CDG Im; DK1 DEFICIENCY. Identifiers: Orphanet 91131, MedGen C1835849, MONDO:0012556, OMIM 610768.
Cardiovascular phenotype. Identifiers: MedGen CN230736.

Allele frequency attached by ClinVar (database versions not stated): TOPMed below 0.00001; gnomAD exomes 0.00001.
gnomAD v4.1: 4 of 1,614,054 alleles (0.00025%); highest among the groups gnomAD compares: Admixed American, 0.005%; no homozygotes.

Submissions (2):

Ambry Genetics
Classification: Uncertain significance for Cardiovascular phenotype. Last evaluated: 2025-08-28. Review status: criteria provided, single submitter. Criteria: Ambry Variant Classification Scheme 2023. Collection method: clinical testing. Allele origin: germline.

Labcorp Genetics (formerly Invitae), Labcorp
Classification: Uncertain significance for DK1-congenital disorder of glycosylation. Last evaluated: 2022-02-22. Review status: criteria provided, single submitter. Criteria: Invitae Variant Classification Sherloc (09022015). Collection method: clinical testing. Allele origin: germline.
Comment: In summary, the available evidence is currently insufficient to determine the role of this variant in disease. Therefore, it has been classified as a Variant of Uncertain Significance. Algorithms developed to predict the effect of missense changes on protein structure and function (SIFT, PolyPhen-2, Align-GVGD) all suggest that this variant is likely to be tolerated. This variant has not been reported in the literature in individuals affected with DOLK-related conditions. This variant is present in population databases (no rsID available, gnomAD 0.006%). This sequence change replaces isoleucine, which is neutral and non-polar, with leucine, which is neutral and non-polar, at codon 349 of the DOLK protein (p.Ile349Leu).

NM_014908.4(DOLK):c.1045A>C (p.Ile349Leu)

Gene: DOLK (dolichol kinase; minus strand). Cytogenetic location: 9q34.11.
Variant type: single nucleotide variant.
Coding change: c.1045A>C on transcript NM_014908.4 (MANE Select); coding-DNA position 1045, A replaced by C.
Protein change: p.Ile349Leu; replaces isoleucine 349 with leucine.
Molecular consequence: missense variant.
Genome position (GRCh38, 1-based): chr9:128,946,259, T>G on the plus strand (A>C on the coding strand, the complement: DOLK is on the minus strand). VCF-style: chr9-128946259-T-G. GRCh37 (hg19) VCF-style: chr9-131708538-T-G.
Other names: short protein forms I349L.
Identifiers: ClinVar variation 2102231 (VCV002102231.5), dbSNP rs1332413196, ClinGen allele CA375120533.